The following is an entry in ClinVar:

NM_002103.5(GYS1):c.2032G>A (p.Asp678Asn)

Gene: GYS1 (glycogen synthase 1; minus strand). Cytogenetic location: 19q13.33.
Variant type: single nucleotide variant.
Coding change: c.2032G>A on transcript NM_002103.5 (MANE Select); coding-DNA position 2032, G replaced by A.
Protein change: p.Asp678Asn; replaces aspartic acid 678 with asparagine.
Molecular consequence: missense variant. On other transcripts: non-coding transcript variant (1).
Genome position (GRCh38, 1-based): chr19:48,969,470, C>T on the plus strand (G>A on the coding strand, the complement: GYS1 is on the minus strand). VCF-style: chr19-48969470-C-T. GRCh37 (hg19) VCF-style: chr19-49472727-C-T.
Other names: c.1840G>A, p.Asp614Asn (NM_001161587.2); short protein forms D614N, D678N.
Identifiers: ClinVar variation 1024883 (VCV001024883.10), dbSNP rs2038518151, ClinGen allele CA406759361.

ClinVar aggregate classification (germline): Uncertain significance (1 of 4 stars; one submission).

Conditions:
Glycogen storage disease due to muscle and heart glycogen synthase deficiency. Also called: GSD 0b; MUSCLE GLYCOGEN SYNTHASE DEFICIENCY. Identifiers: Orphanet 137625, MedGen C1969054, MONDO:0012693, OMIM 611556.

Submission:

Labcorp Genetics (formerly Invitae), Labcorp
Classification: Uncertain significance for Glycogen storage disease due to muscle and heart glycogen synthase deficiency. Last evaluated: 2024-04-22. Review status: criteria provided, single submitter. Criteria: Invitae Variant Classification Sherloc (09022015). Collection method: clinical testing. Allele origin: germline.
Comment: This sequence change replaces aspartic acid, which is acidic and polar, with asparagine, which is neutral and polar, at codon 678 of the GYS1 protein (p.Asp678Asn). This variant is not present in population databases (gnomAD no frequency). This variant has not been reported in the literature in individuals affected with GYS1-related conditions. ClinVar contains an entry for this variant (Variation ID: 1024883). An algorithm developed to predict the effect of missense changes on protein structure and function (PolyPhen-2) suggests that this variant is likely to be tolerated. In summary, the available evidence is currently insufficient to determine the role of this variant in disease. Therefore, it has been classified as a Variant of Uncertain Significance.